The following is an entry in ClinVar:

ClinVar aggregate classification (germline): Uncertain significance (1 of 4 stars; one submission).

Conditions:
T-B+ severe combined immunodeficiency due to JAK3 deficiency. Also called: SCID, autosomal recessive, T-negative/B-positive type; SCID, T CELL-NEGATIVE, B CELL-POSITIVE, NK CELL-NEGATIVE. Identifiers: Orphanet 35078, MedGen C1833275, MONDO:0010938, OMIM 600802.

gnomAD v4.1: 4 of 1,601,514 alleles (0.00025%); highest among the groups gnomAD compares: East Asian, 0.009%; no homozygotes.

Submission:

Labcorp Genetics (formerly Invitae), Labcorp
Classification: Uncertain significance for T-B+ severe combined immunodeficiency due to JAK3 deficiency. Last evaluated: 2022-04-06. Review status: criteria provided, single submitter. Criteria: Invitae Variant Classification Sherloc (09022015). Collection method: clinical testing. Allele origin: germline.
Comment: This sequence change replaces histidine, which is basic and polar, with glutamine, which is neutral and polar, at codon 463 of the JAK3 protein (p.His463Gln). The frequency data for this variant in the population databases is considered unreliable, as metrics indicate poor data quality at this position in the gnomAD database. This variant has not been reported in the literature in individuals affected with JAK3-related conditions. Advanced modeling of protein sequence and biophysical properties (such as structural, functional, and spatial information, amino acid conservation, physicochemical variation, residue mobility, and thermodynamic stability) performed at Invitae indicates that this missense variant is not expected to disrupt JAK3 protein function. Algorithms developed to predict the effect of sequence changes on RNA splicing suggest that this variant may create or strengthen a splice site. In summary, the available evidence is currently insufficient to determine the role of this variant in disease. Therefore, it has been classified as a Variant of Uncertain Significance.

NM_000215.4(JAK3):c.1389C>G (p.His463Gln)

Gene: JAK3 (Janus kinase 3; minus strand). Cytogenetic location: 19p13.11.
Variant type: single nucleotide variant.
Coding change: c.1389C>G on transcript NM_000215.4 (MANE Select); coding-DNA position 1389, C replaced by G.
Protein change: p.His463Gln; replaces histidine 463 with glutamine.
Molecular consequence: missense variant.
Genome position (GRCh38, 1-based): chr19:17,839,529, G>C on the plus strand (C>G on the coding strand, the complement: JAK3 is on the minus strand). VCF-style: chr19-17839529-G-C. GRCh37 (hg19) VCF-style: chr19-17950338-G-C.
Other names: short protein forms H463Q.
Identifiers: ClinVar variation 2019970 (VCV002019970.1), dbSNP rs201132330, ClinGen allele CA9301913.